The following is an entry in ClinVar:

NM_001203.3(BMPR1B):c.1112G>C (p.Arg371Pro)

Gene: BMPR1B (bone morphogenetic protein receptor type 1B; plus strand). Cytogenetic location: 4q22.3.
Variant type: single nucleotide variant.
Coding change: c.1112G>C on transcript NM_001203.3 (MANE Select); coding-DNA position 1112, G replaced by C.
Protein change: p.Arg371Pro; replaces arginine 371 with proline.
Molecular consequence: missense variant.
Genome position (GRCh38, 1-based): chr4:95,148,783, G>C. VCF-style: chr4-95148783-G-C. GRCh37 (hg19) VCF-style: chr4-96069934-G-C.
Other names: c.1112G>C (NM_001203.2); c.1112G>C, p.Arg371Pro (NM_001256792.2, NM_001256794.1); c.1202G>C, p.Arg401Pro (NM_001256793.2); short protein forms R371P, R401P.
Identifiers: ClinVar variation 4787459 (VCV004787459.2).

ClinVar aggregate classification (germline): Conflicting classifications of pathogenicity. Review status: criteria provided, conflicting classifications (1 of 4 stars). 2 submissions from 2 submitters: Uncertain significance (1); Likely benign (1). Last evaluated 2025-04-10.

Conditions:
BMPR1B-related disorder. Also called: BMPR1B-related condition.
Acromesomelic dysplasia 3 (AMD3). Also called: Acromesomelic dysplasia, Demirhan type; CHONDRODYSPLASIA, ACROMESOMELIC, WITH OR WITHOUT GENITAL ANOMALIES. Identifiers: MedGen C4225404, MONDO:0012274, OMIM 609441.
Type A2 brachydactyly (BDA2). Also called: Brachymesophalangy type 2; BRACHYMESOPHALANGY II; MOHR-WRIEDT TYPE BRACHYDACTYLY. Identifiers: Orphanet 93396, MedGen C1832702, MONDO:0007216, OMIM 112600, HP:0009372.

gnomAD v4.1: 62 of 1,613,756 alleles (0.0038%); highest among the groups gnomAD compares: Non-Finnish European, 0.0049%; no homozygotes.

Submissions (2):

Labcorp Genetics (formerly Invitae), Labcorp
Classification: Likely benign for Type A2 brachydactyly; Acromesomelic dysplasia 3. Last evaluated: 2025-04-10. Review status: criteria provided, single submitter. Criteria: Invitae Variant Classification Sherloc (09022015). Collection method: clinical testing. Allele origin: germline.

PreventionGenetics, part of Exact Sciences
Classification: Uncertain significance for BMPR1B-related condition. Last evaluated: 2024-10-19. Review status: criteria provided, single submitter. Criteria: ACMG Guidelines, 2015. Collection method: clinical testing. Allele origin: germline.
Comment: The BMPR1B c.1112G>C variant is predicted to result in the amino acid substitution p.Arg371Pro. To our knowledge, this variant has not been reported in the literature. This variant is reported in 0.0065% of alleles in individuals of South Asian descent in gnomAD. At this time, the clinical significance of this variant is uncertain due to the absence of conclusive functional and genetic evidence.